The following is an entry in ClinVar:

NM_000264.5(PTCH1):c.497del (p.Gly166fs)

Gene: PTCH1 (patched 1; minus strand). Cytogenetic location: 9q22.32.
Variant type: Deletion.
Coding change: c.497del on transcript NM_000264.5 (MANE Select); coding-DNA position 497, one base deleted (G; older notation c.497delG).
Protein change: p.Gly166fs; shifts the reading frame from glycine 166.
Molecular consequence: frameshift variant. On other transcripts: non-coding transcript variant (1).
Genome position (GRCh38, 1-based): chr9:95,485,772, C deleted on the plus strand (G on the coding strand, the reverse complement: PTCH1 is on the minus strand); the first of 2 consecutive C bases (chr9:95,485,772-95,485,773); deleting either gives the same sequence. VCF-style (leftmost placement, unchanged base first): chr9-95485771-AC-A. GRCh37 (hg19) VCF-style: chr9-98248053-AC-A.
Other names: c.497delG (NM_000264.3); c.299del, p.Gly100fs (NM_001083602.3, NM_001354919.2); c.494del, p.Gly165fs (NM_001083603.3); c.44del, p.Gly15fs (NM_001083604.3, NM_001083605.3, NM_001083606.3 and 1 more transcripts); c.497del, p.Gly166fs (NM_001354918.2); short protein forms G100fs, G166fs, G15fs, G165fs.
Identifiers: ClinVar variation 1744519 (VCV001744519.2), dbSNP rs2538268224, ClinGen allele CA2580081054.
Genomic context (GRCh38, chr9:95,485,771, plus strand): 5'-GCTGGCCTGGAGTGCCGAGTCCAGGTGTTGTAGGAGCGCTTCTGTGGTCAGGACATTAGC[AC>A]CTTCTTCTTTAGGGGTCTGTATCATGAGTTGAGGATTAAACATAGCCTCTTCTCCAATCT-3'

ClinVar aggregate classification (germline): Pathogenic (1 of 4 stars; one submission).

Conditions:
Hereditary cancer-predisposing syndrome. Also called: Hereditary Cancer Syndrome; Neoplastic Syndromes, Hereditary; Tumor predisposition; Hereditary neoplastic syndrome. Identifiers: Orphanet 140162, MedGen C0027672, MeSH D009386, MONDO:0015356.

Submission:

Ambry Genetics
Classification: Pathogenic for Hereditary cancer-predisposing syndrome. Last evaluated: 2022-07-07. Review status: criteria provided, single submitter. Criteria: Ambry Variant Classification Scheme 2023. Collection method: clinical testing. Allele origin: germline.
Comment: The c.497delG variant, located in coding exon 3 of the PTCH1 gene, results from a deletion of one nucleotide at nucleotide position 497, causing a translational frameshift with a predicted alternate stop codon (p.G166Vfs*5). This variant is considered to be rare based on population cohorts in the Genome Aggregation Database (gnomAD). This alteration is expected to result in loss of function by premature protein truncation or nonsense-mediated mRNA decay. As such, this alteration is interpreted as a disease-causing mutation.